The following is an entry in ClinVar:

NM_001367561.1(DOCK7):c.1663G>A (p.Val555Ile)

Gene: DOCK7 (dedicator of cytokinesis 7; minus strand). Cytogenetic location: 1p31.3.
Variant type: single nucleotide variant.
Coding change: c.1663G>A on transcript NM_001367561.1 (MANE Select); coding-DNA position 1663, G replaced by A.
Protein change: p.Val555Ile; replaces valine 555 with isoleucine.
Molecular consequence: missense variant.
Genome position (GRCh38, 1-based): chr1:62,618,725, C>T on the plus strand (G>A on the coding strand, the complement: DOCK7 is on the minus strand). VCF-style: chr1-62618725-C-T. GRCh37 (hg19) VCF-style: chr1-63084396-C-T.
Other names: c.1663G>A, p.Val555Ile (NM_001271999.2, NM_001272000.2, NM_001272001.2 and 3 more transcripts); short protein forms V555I.
Identifiers: ClinVar variation 1007363 (VCV001007363.4), dbSNP rs1311579722, ClinGen allele CA340612196.
Genomic context (GRCh38, chr1:62,618,725, plus strand): 5'-CAGTATCTTCTATCAGAATTCTCCAAATTAAAATCTCTTACCTGTAAGTAGTGTTTGGAA[C>T]ATAAACATCCCTTGCGGGAAACTCTAAGATTTCTCTGGTAGGTCTAACTCTACTGTCAGG-3'
Protein context (NP_001354490.1, residues 545-565): ILEFPARDVY[Val555Ile]PNTTYRNLLY

ClinVar aggregate classification (germline): Uncertain significance (1 of 4 stars; one submission).

Conditions:
Developmental and epileptic encephalopathy, 23 (DEE23). Also called: Epileptic encephalopathy, early infantile, 23. Identifiers: Orphanet 411986, MedGen C4014492, MONDO:0014371, OMIM 615859.

Allele frequency attached by ClinVar (database versions not stated): gnomAD exomes below 0.00001; TOPMed 0.00001.
gnomAD v4.1: 4 of 1,613,354 alleles (0.00025%); highest among the groups gnomAD compares: Non-Finnish European, 0.00034%; no homozygotes.

Submission:

Labcorp Genetics (formerly Invitae), Labcorp
Classification: Uncertain significance for Developmental and epileptic encephalopathy, 23. Last evaluated: 2021-11-01. Review status: criteria provided, single submitter. Criteria: Invitae Variant Classification Sherloc (09022015). Collection method: clinical testing. Allele origin: germline.
Comment: This sequence change replaces valine, which is neutral and non-polar, with isoleucine, which is neutral and non-polar, at codon 555 of the DOCK7 protein (p.Val555Ile). This variant is not present in population databases (gnomAD no frequency). This variant has not been reported in the literature in individuals affected with DOCK7-related conditions. ClinVar contains an entry for this variant (Variation ID: 1007363). Algorithms developed to predict the effect of missense changes on protein structure and function (SIFT, PolyPhen-2, Align-GVGD) all suggest that this variant is likely to be tolerated. In summary, the available evidence is currently insufficient to determine the role of this variant in disease. Therefore, it has been classified as a Variant of Uncertain Significance.